The following is an entry in ClinVar:

NM_002617.4(PEX10):c.193+8C>T

Gene: PEX10 (peroxisomal biogenesis factor 10; minus strand). Cytogenetic location: 1p36.32.
Variant type: single nucleotide variant.
Coding change: c.193+8C>T on transcript NM_002617.4 (MANE Select); 8 bases into the intron after coding-DNA position 193, C replaced by T.
Molecular consequence: intron variant.
Genome position (GRCh38, 1-based): chr1:2,410,363, G>A on the plus strand (C>T on the coding strand, the complement: PEX10 is on the minus strand). VCF-style: chr1-2410363-G-A. GRCh37 (hg19) VCF-style: chr1-2341802-G-A.
Other names: c.-240+8C>T (NM_001374427.1, NM_001374426.1); c.193+8C>T (NM_001374425.1, NM_153818.2, NM_153818.1).
Identifiers: ClinVar variation 1127585 (VCV001127585.8), dbSNP rs371502874, ClinGen allele CA538274.

ClinVar aggregate classification (germline): Likely benign. Review status: criteria provided, multiple submitters, no conflicts (2 of 4 stars). 2 submissions from 2 submitters: Likely benign (2). Last evaluated 2025-12-24.

Conditions:
Peroxisome biogenesis disorder, complementation group 7 (CG7). Also called: Peroxisome biogenesis disorder, complementation group B. Identifiers: MedGen C1864399.
PEX10-related disorder. Also called: PEX10-related condition.

Allele frequency attached by ClinVar (database versions not stated): ExAC 0.00001; gnomAD exomes 0.00001 and 0.00002; TOPMed 0.00001; gnomAD 0.00002 and 0.00003; ESP Exome Variant Server 0.00008.

Submissions (2):

Labcorp Genetics (formerly Invitae), Labcorp
Classification: Likely benign for Peroxisome biogenesis disorder, complementation group 7. Last evaluated: 2025-12-24. Review status: criteria provided, single submitter. Criteria: Invitae Variant Classification Sherloc (09022015). Collection method: clinical testing. Allele origin: germline.

PreventionGenetics, part of Exact Sciences
Classification: Likely benign for PEX10-related condition. Last evaluated: 2025-10-10. Review status: criteria provided, single submitter. Criteria: ACMG Guidelines, 2015. Collection method: clinical testing. Allele origin: germline.
Comment: This variant is classified as likely benign based on ACMG/AMP sequence variant interpretation guidelines (Richards et al. 2015 PMID: 25741868, with internal and published modifications).